The following is an entry in ClinVar:

NM_001345.5(DGKA):c.886A>G (p.Thr296Ala)

Gene: DGKA (diacylglycerol kinase alpha; plus strand). Cytogenetic location: 12q13.2.
Variant type: single nucleotide variant.
Coding change: c.886A>G on transcript NM_001345.5 (MANE Select); coding-DNA position 886, A replaced by G.
Protein change: p.Thr296Ala; replaces threonine 296 with alanine.
Molecular consequence: missense variant. On other transcripts: 5 prime UTR variant (3), non-coding transcript variant (2).
Genome position (GRCh38, 1-based): chr12:55,940,401, A>G. VCF-style: chr12-55940401-A-G. GRCh37 (hg19) VCF-style: chr12-56334185-A-G.
Other names: c.886A>G, p.Thr296Ala (NM_001351033.2, NM_001351034.2, NM_001413596.1 and 8 more transcripts); c.1000A>G, p.Thr334Ala (NM_001351035.1); c.463A>G, p.Thr155Ala (NM_001351036.2, NM_001351037.1); c.-177A>G (NM_001351038.2, NM_001351039.2, NM_001351040.2); c.862A>G, p.Thr288Ala (NM_001413599.1, NM_001413600.1, NM_001413601.1); short protein forms T155A, T288A, T296A, T334A.
Identifiers: ClinVar variation 3040632 (VCV003040632.2), dbSNP rs141417048, ClinGen allele CA6619361.

ClinVar aggregate classification (germline): Benign (0 of 4 stars; one submission).

Conditions:
DGKA-related disorder. Also called: DGKA-related condition.

Allele frequency attached by ClinVar (database versions not stated): 1000 Genomes Project 30x 0.00016; 1000 Genomes Project 0.00020; TOPMed 0.00205; ExAC 0.00291; gnomAD 0.00304; ESP Exome Variant Server 0.00354; gnomAD exomes 0.00413.
gnomAD v4.1: 6,423 of 1,614,204 alleles (0.4%); highest among the groups gnomAD compares: Non-Finnish European, 0.46%; 15 homozygotes.

Submission:

PreventionGenetics, part of Exact Sciences
Classification: Benign for DGKA-related condition. Last evaluated: 2019-11-07. Review status: no assertion criteria provided. Collection method: clinical testing. Allele origin: germline.
Comment: This variant is classified as benign based on ACMG/AMP sequence variant interpretation guidelines (Richards et al. 2015 PMID: 25741868, with internal and published modifications).